The following is an entry in ClinVar:

ClinVar aggregate classification (germline): Pathogenic/Likely pathogenic. Review status: criteria provided, multiple submitters, no conflicts (2 of 4 stars). 3 submissions from 3 submitters: Pathogenic (1); Likely pathogenic (1). 1 of the submissions does not count toward it. Last evaluated 2025-11-06.

Conditions:
Leber congenital amaurosis with early-onset deafness. Identifiers: MedGen C4693498, MONDO:0060650, OMIM 617879.

Submissions (3):

Undiagnosed Diseases Network, NIH
Classification: Likely pathogenic for Leber congenital amaurosis with early-onset deafness. Last evaluated: 2025-11-06. Review status: criteria provided, single submitter. Criteria: ACMG Guidelines, 2015. Collection method: clinical testing. Allele origin: unknown. Inheritance: Autosomal dominant inheritance. Affected: yes. Observed: 1 variant allele, 1 heterozygote. Study: Undiagnosed Diseases Network (NIH), UDN.

GeneDx
Classification: Pathogenic. Last evaluated: 2023-11-08. Review status: criteria provided, single submitter. Criteria: GeneDx Variant Classification Process June 2021. Collection method: clinical testing. Allele origin: germline. Affected: yes.
Comment: Not observed at significant frequency in large population cohorts (gnomAD); In silico analysis supports that this missense variant has a deleterious effect on protein structure/function; Has not been previously published as pathogenic or benign to our knowledge

Baylor Genetics
Classification: Uncertain significance for Leber congenital amaurosis with early-onset deafness. Last evaluated: 2022-03-14. Review status: flagged submission. Criteria: ACMG Guidelines, 2015. Collection method: clinical testing. Allele origin: unknown. Not counted in ClinVar's aggregate classification.
ClinVar note: Notes: Lab indicated that they would update the classification to likely pathogenic.
ClinVar note: Reason: Claim with insufficient supporting evidence

NM_006088.6(TUBB4B):c.1072C>T (p.Pro358Ser)

Gene: TUBB4B (tubulin beta 4B class IVb; plus strand). Cytogenetic location: 9q34.3.
Variant type: single nucleotide variant.
Coding change: c.1072C>T on transcript NM_006088.6 (MANE Select); coding-DNA position 1072, C replaced by T.
Protein change: p.Pro358Ser; replaces proline 358 with serine.
Molecular consequence: missense variant.
Genome position (GRCh38, 1-based): chr9:137,243,290, C>T. VCF-style: chr9-137243290-C-T. GRCh37 (hg19) VCF-style: chr9-140137742-C-T.
Other names: p.P358S; short protein forms P358S.
Identifiers: ClinVar variation 1342143 (VCV001342143.7), dbSNP rs2131435194, ClinGen allele CA375755767.
Genomic context (GRCh38, chr9:137,243,290, plus strand): 5'-AGCAGCTATTTTGTTGAGTGGATCCCCAACAATGTGAAAACGGCTGTCTGTGACATCCCA[C>T]CTCGGGGGCTAAAAATGTCCGCCACCTTCATTGGCAACAGCACGGCCATCCAGGAGCTGT-3'
Protein context (NP_006079.1, residues 348-368): NVKTAVCDIP[Pro358Ser]RGLKMSATFI